The following is an entry in ClinVar:

ClinVar aggregate classification (germline): Uncertain significance. Review status: criteria provided, multiple submitters, no conflicts (2 of 4 stars). 4 submissions from 4 submitters: Uncertain significance (3). 1 of the submissions does not count toward it. Last evaluated 2024-11-26.

Conditions:
Familial melanoma. Also called: Hereditary melanoma; Hereditary cutaneous melanoma. Identifiers: Orphanet 618, MedGen C1512419, MONDO:0018961.
Hereditary cancer-predisposing syndrome. Also called: Hereditary neoplastic syndrome; Tumor predisposition; Neoplastic Syndromes, Hereditary; Hereditary Cancer Syndrome. Identifiers: Orphanet 140162, MedGen C0027672, MeSH D009386, MONDO:0015356.
Melanoma, cutaneous malignant, susceptibility to, 2 (CMM2). Also called: CDKN2A-Related Cutaneous Malignant Melanoma; Cutaneous malignant melanoma 2. Identifiers: Orphanet 618, MedGen C1835044, MONDO:0007964, OMIM 155601.

Allele frequency attached by ClinVar (database versions not stated): gnomAD exomes below 0.00001 and 0.00001; ExAC 0.00001.
gnomAD v4.1: 4 of 1,605,092 alleles (0.00025%); highest among the groups gnomAD compares: South Asian, 0.0044%; no homozygotes.

Submissions (4):

Ambry Genetics
Classification: Uncertain significance for Hereditary cancer-predisposing syndrome. Last evaluated: 2024-11-26. Review status: criteria provided, single submitter. Criteria: Ambry Variant Classification Scheme 2023. Collection method: clinical testing. Allele origin: germline.
Comment: The p.G89S variant (also known as c.265G>A), located in coding exon 2 of the CDKN2A gene, results from a G to A substitution at nucleotide position 265. The glycine at codon 89 is replaced by serine, an amino acid with similar properties. This amino acid position is highly conserved in available vertebrate species. In addition, the in silico prediction for this alteration is inconclusive. Of note, this alteration is also known as c.308G>A (p.Gly103Glu) in the p14(ARF) isoform. Since supporting evidence is limited at this time, the clinical significance of this alteration remains unclear.

Labcorp Genetics (formerly Invitae), Labcorp
Classification: Uncertain significance for Familial melanoma. Last evaluated: 2024-04-25. Review status: criteria provided, single submitter. Criteria: Invitae Variant Classification Sherloc (09022015). Collection method: clinical testing. Allele origin: germline.
Comment: The CDKN2A gene encodes two different proteins, p16INK4a and p14ARF, which are translated from alternative transcripts with different open reading frames. Both transcripts have been analyzed. We report either the variant with the higher classification or default to the CDKN2A (p16INK4a) variant. This report therefore includes the details for the CDKN2A (p16INK4a) variant. This sequence change replaces glycine, which is neutral and non-polar, with serine, which is neutral and polar, at codon 89 of the CDKN2A (p16INK4a) protein (p.Gly89Ser). The frequency data for this variant in the population databases is considered unreliable, as metrics indicate poor data quality at this position in the gnomAD database. This variant has not been reported in the literature in individuals affected with CDKN2A (p16INK4a)-related conditions. This variant is also known as c.308G>A (p.Gly103Glu) in the CDKN2A (p14ARF) transcript. ClinVar contains an entry for this variant (Variation ID: 9408). An algorithm developed to predict the effect of missense changes on protein structure and function (PolyPhen-2) suggests that this variant is likely to be disruptive. Experimental studies have shown that this missense change does not substantially affect CDKN2A (p16INK4a) function (PMID: 8668202). In summary, the available evidence is currently insufficient to determine the role of this variant in disease. Therefore, it has been classified as a Variant of Uncertain Significance.

GeneDx
Classification: Uncertain significance. Last evaluated: 2023-07-17. Review status: criteria provided, single submitter. Criteria: GeneDx Variant Classification Process June 2021. Collection method: clinical testing. Allele origin: germline. Affected: yes.
Comment: Not observed at significant frequency in large population cohorts (gnomAD); In silico analysis supports that this missense variant has a deleterious effect on protein structure/function; Published functional studies suggest that this variant has no effect on protein function (Parry et al., 1996); This variant is associated with the following publications: (PMID: 33237286, 8153634, 16354195, 27089234, 28481918, 18573309, 8668202)

OMIM
Classification: risk factor for MELANOMA, CUTANEOUS MALIGNANT, SUSCEPTIBILITY TO, 2. Last evaluated: 1994-04-15. Review status: no assertion criteria provided. Collection method: literature only. Allele origin: germline. Not counted in ClinVar's aggregate classification.

Literature cited by the submitters: PubMed 8668202 (cited by Labcorp Genetics (formerly Invitae), Labcorp); PubMed 8153634 (cited by OMIM).

NM_000077.5(CDKN2A):c.265G>A (p.Gly89Ser)

Gene: CDKN2A (cyclin dependent kinase inhibitor 2A; minus strand). Cytogenetic location: 9p21.3.
Variant type: single nucleotide variant.
Coding change: c.265G>A on transcript NM_000077.5; coding-DNA position 265, G replaced by A.
Protein change: p.Gly89Ser; replaces glycine 89 with serine.
Molecular consequence: missense variant (on NM_000077.6). On other transcripts: 3 prime UTR variant (1).
Genome position (GRCh38, 1-based): chr9:21,971,094, C>T on the plus strand (G>A on the coding strand, the complement: CDKN2A is on the minus strand). VCF-style: chr9-21971094-C-T. GRCh37 (hg19) VCF-style: chr9-21971093-C-T.
Other names: G259S; c.265G>A, p.Gly89Ser (NM_000077.6, NM_001195132.2); c.112G>A, p.Gly38Ser (NM_001363763.2); c.308G>A, p.Gly103Glu (NM_058195.4); c.*188G>A (NM_058197.5); short protein forms G103E, G89S, G38S.
Identifiers: ClinVar variation 9408 (VCV000009408.14), dbSNP rs137854597, ClinGen allele CA120375.